The following is an entry in ClinVar:

NM_020800.3(IFT80):c.896T>C (p.Val299Ala)

Genes: IFT80 (intraflagellar transport 80; minus strand), TRIM59-IFT80 (TRIM59-IFT80 readthrough (NMD candidate); minus strand). Cytogenetic location: 3q25.33.
Variant type: single nucleotide variant.
Coding change: c.896T>C on transcript NM_020800.3 (MANE Select); coding-DNA position 896, T replaced by C.
Protein change: p.Val299Ala; replaces valine 299 with alanine.
Molecular consequence: missense variant. On other transcripts: non-coding transcript variant (3).
Genome position (GRCh38, 1-based): chr3:160,319,821, A>G on the plus strand (T>C on the coding strand, the complement: IFT80 is on the minus strand). VCF-style: chr3-160319821-A-G. GRCh37 (hg19) VCF-style: chr3-160037609-A-G.
Other names: c.896T>C (NM_020800.2); c.485T>C, p.Val162Ala (NM_001190241.2, NM_001190242.2); short protein forms V299A, V162A.
Identifiers: ClinVar variation 2195503 (VCV002195503.4), dbSNP rs746995909, ClinGen allele CA2685318.
Genomic context (GRCh38, chr3:160,319,821, plus strand): 5'-TGCATGGCTCTTCTTTTCGTTAATGTTACTTGAAAATTTTTCCACTCCCAATGTTGTTCC[A>G]CCACATGTGCAAAAACGACATGTCCATTTCCACAGGCTCCAGCAATCTGAGTGCCATCGA-3'
Protein context (NP_065851.1, residues 289-309): GNGHVVFAHV[Val299Ala]EQHWEWKNFQ

ClinVar aggregate classification (germline): Uncertain significance. Review status: criteria provided, multiple submitters, no conflicts (2 of 4 stars). 2 submissions from 2 submitters: Uncertain significance (2). Last evaluated 2025-05-01.

Conditions:
Jeune thoracic dystrophy. Also called: Jeune syndrome; Infantile thoracic dystrophy; Thoracic pelvic phalangeal dystrophy; Jeune's syndrome; Chondroectodermal dysplasia-like syndrome; Short-rib thoracic dysplasia. Identifiers: Orphanet 474, MedGen C0265275, MONDO:0018770.
Inborn genetic diseases. Identifiers: MedGen C0950123, MeSH D030342.

Allele frequency attached by ClinVar (database versions not stated): gnomAD 0.00001.
gnomAD v4.1: 8 of 1,612,946 alleles (0.0005%); highest among the groups gnomAD compares: Admixed American, 0.013%; no homozygotes.

Submissions (2):

Ambry Genetics
Classification: Uncertain significance for Inborn genetic diseases. Last evaluated: 2025-05-01. Review status: criteria provided, single submitter. Criteria: Ambry Variant Classification Scheme 2023. Collection method: clinical testing. Allele origin: germline.

Labcorp Genetics (formerly Invitae), Labcorp
Classification: Uncertain significance for Jeune thoracic dystrophy. Last evaluated: 2022-08-22. Review status: criteria provided, single submitter. Criteria: Invitae Variant Classification Sherloc (09022015). Collection method: clinical testing. Allele origin: germline.
Comment: This sequence change replaces valine, which is neutral and non-polar, with alanine, which is neutral and non-polar, at codon 299 of the IFT80 protein (p.Val299Ala). This variant is present in population databases (rs746995909, gnomAD 0.02%). This variant has not been reported in the literature in individuals affected with IFT80-related conditions. Algorithms developed to predict the effect of missense changes on protein structure and function are either unavailable or do not agree on the potential impact of this missense change (SIFT: "Deleterious"; PolyPhen-2: "Benign"; Align-GVGD: "Class C25"). In summary, the available evidence is currently insufficient to determine the role of this variant in disease. Therefore, it has been classified as a Variant of Uncertain Significance.